The following is an entry in ClinVar:

NM_000180.4(GUCY2D):c.2197G>T (p.Ala733Ser)

Gene: GUCY2D (guanylate cyclase 2D, retinal; plus strand). Cytogenetic location: 17p13.1.
Variant type: single nucleotide variant.
Coding change: c.2197G>T on transcript NM_000180.4 (MANE Select); coding-DNA position 2197, G replaced by T.
Protein change: p.Ala733Ser; replaces alanine 733 with serine.
Molecular consequence: missense variant.
Genome position (GRCh38, 1-based): chr17:8,013,186, G>T. VCF-style: chr17-8013186-G-T. GRCh37 (hg19) VCF-style: chr17-7916504-G-T.
Other names: c.2197G>T (NM_000180.3); short protein forms A733S.
Identifiers: ClinVar variation 4933520 (VCV004933520.2).

ClinVar aggregate classification (germline): Uncertain significance. Review status: criteria provided, multiple submitters, no conflicts (2 of 4 stars). 2 submissions from 2 submitters: Uncertain significance (2). Last evaluated 2025-03-19.

Conditions:
GUCY2D-related disorder. Also called: GUCY2D-related condition.

gnomAD v4.1: 50 of 1,614,010 alleles (0.0031%); highest among the groups gnomAD compares: Non-Finnish European, 0.0042%; no homozygotes.

Submissions (2):

PreventionGenetics, part of Exact Sciences
Classification: Uncertain significance for GUCY2D-related condition. Last evaluated: 2025-03-19. Review status: criteria provided, single submitter. Criteria: ACMG Guidelines, 2015. Collection method: clinical testing. Allele origin: germline.
Comment: The GUCY2D c.2197G>T variant is predicted to result in the amino acid substitution p.Ala733Ser. To our knowledge, this variant has not been reported in the literature. This variant is present in 0.0018% of alleles in individuals of European (Non-Finnish) descent in gnomAD. At this time, the clinical significance of this variant is uncertain due to the absence of conclusive functional and genetic evidence.

Blueprint Genetics
Classification: Uncertain significance. Last evaluated: 2018-10-12. Review status: criteria provided, single submitter. Criteria: ACMG Guidelines, 2015. Collection method: clinical testing. Allele origin: germline.